The following is an entry in ClinVar:

NM_005076.5(CNTN2):c.1708G>T (p.Gly570Trp)

Gene: CNTN2 (contactin 2; plus strand). Cytogenetic location: 1q32.1.
Variant type: single nucleotide variant.
Coding change: c.1708G>T on transcript NM_005076.5 (MANE Select); coding-DNA position 1708, G replaced by T.
Protein change: p.Gly570Trp; replaces glycine 570 with tryptophan.
Molecular consequence: missense variant. On other transcripts: non-coding transcript variant (1).
Genome position (GRCh38, 1-based): chr1:205,065,801, G>T. VCF-style: chr1-205065801-G-T. GRCh37 (hg19) VCF-style: chr1-205034929-G-T.
Other names: c.1708G>T, p.Gly570Trp (NM_001346083.2); short protein forms G570W.
Identifiers: ClinVar variation 1017484 (VCV001017484.8), dbSNP rs1654255048, ClinGen allele CA344375694.

ClinVar aggregate classification (germline): Uncertain significance (1 of 4 stars; one submission).

Conditions:
Epilepsy, familial adult myoclonic, 5 (EPEO5). Also called: CORTICAL MYOCLONIC TREMOR WITH EPILEPSY, FAMILIAL, 5. Identifiers: Orphanet 86814, MedGen C3809374, MONDO:0014167, OMIM 615400.

Allele frequency attached by ClinVar (database versions not stated): gnomAD exomes below 0.00001; TOPMed below 0.00001.
gnomAD v4.1: 3 of 1,480,256 alleles (0.0002%); highest among the groups gnomAD compares: Non-Finnish European, 0.00028%; no homozygotes.

Submission:

Labcorp Genetics (formerly Invitae), Labcorp
Classification: Uncertain significance for Epilepsy, familial adult myoclonic, 5. Last evaluated: 2022-09-07. Review status: criteria provided, single submitter. Criteria: Invitae Variant Classification Sherloc (09022015). Collection method: clinical testing. Allele origin: germline.
Comment: This sequence change replaces glycine, which is neutral and non-polar, with tryptophan, which is neutral and slightly polar, at codon 570 of the CNTN2 protein (p.Gly570Trp). This variant is not present in population databases (gnomAD no frequency). This variant has not been reported in the literature in individuals affected with CNTN2-related conditions. ClinVar contains an entry for this variant (Variation ID: 1017484). Algorithms developed to predict the effect of missense changes on protein structure and function (SIFT, PolyPhen-2, Align-GVGD) all suggest that this variant is likely to be disruptive. In summary, the available evidence is currently insufficient to determine the role of this variant in disease. Therefore, it has been classified as a Variant of Uncertain Significance.